The following is an entry in ClinVar:

ClinVar aggregate classification (germline): Pathogenic/Likely pathogenic. Review status: criteria provided, multiple submitters, no conflicts (2 of 4 stars). 38 submissions from 35 submitters: Pathogenic (27); Likely pathogenic (1). 10 of the submissions do not count toward it. Last evaluated 2025-12-11.

Conditions:
LEUKEMIA, CHRONIC LYMPHOCYTIC, SOMATIC.
Intellectual developmental disorder, autosomal dominant 42. Also called: Intellectual disability, autosomal dominant 42; Global developmental delay-neuro-ophthalmological abnormalities-seizures-intellectual disability syndrome; GNB1 Encephalopathy. Identifiers: Orphanet 488613, MedGen C4310774, MONDO:0014855, OMIM 616973.
Myelodysplastic syndrome (MDS). Also called: Myelodysplastic syndromes; Myelodysplastic syndrome, somatic; MYELODYSPLASTIC SYNDROME, SUSCEPTIBILITY TO. Identifiers: Orphanet 52688, MedGen C3463824, MeSH D009190, MONDO:0018881, OMIM 614286.
Hypotonia. Also called: Muscular hypotonia; poor muscle tone. Identifiers: MedGen C0026827, HP:0001252.
Seizure. Also called: Seizures. Identifiers: MedGen C0036572, HP:0001250.
Neurodevelopmental Disability.
Multifocal epileptiform discharges. Identifiers: MedGen C4021219, HP:0010841.
EEG with generalized epileptiform discharges. Identifiers: MedGen C4023476, HP:0011198.
Limb hypertonia. Identifiers: MedGen C1838391, HP:0002509.
Inability to walk. Identifiers: MedGen C0560046, HP:0002540.
Strabismus. Identifiers: MedGen C0038379, MONDO:0003432, HP:0000486.
Expressive language delay. Identifiers: MedGen C0454641, HP:0002474.
Growth delay. Also called: Growth retardation. Identifiers: MedGen C0456070, HP:0001510.
Nystagmus. Identifiers: MedGen C0028738, MONDO:0004843, HP:0000639.
Failure to thrive. Also called: Pediatric failure to thrive. Identifiers: MedGen C2315100, HP:0001508.
Global developmental delay (DD). Also called: Cognitive delay. Identifiers: MedGen C0557874, HP:0001263. Disease mechanism: loss of function.
Developmental regression. Also called: C1836830. Identifiers: MedGen C1836830, HP:0002376.
Dystonic disorder. Also called: Dystonia. Identifiers: MedGen C0013421, MONDO:0003441, HP:0001332.
Infantile axial hypotonia. Identifiers: MedGen C3806604, HP:0009062.
Upper limb hypertonia. Identifiers: MedGen C4021898, HP:0200049.
Cleft palate. Identifiers: Orphanet 2014, MedGen C2981150, MONDO:0016064, HP:0000175.
Hypothyroidism. Identifiers: MedGen C0020676, MONDO:0005420, HP:0000821.
Intellectual disability. Also called: Intellectual functioning disability; intellectual disabilities; Intellectual developmental disorder. Identifiers: MedGen C3714756, MeSH D008607, MONDO:0001071, HP:0001249.
Acute lymphoid leukemia (ALL). Also called: Acute lymphoblastic leukemia; Acute lymphocytic leukemia; Leukemia, acute lymphoblastic, somatic; Lymphoblastic leukemia. Identifiers: Orphanet 513, MedGen C0023449, MONDO:0004967, OMIM 613065, HP:0006721.
Neurodevelopmental delay. Identifiers: MedGen C4022738, HP:0012758.
GNB1-related disorder. Also called: GNB1-related condition.
Neurodevelopmental disorder. Identifiers: MedGen C1535926, MeSH D065886, MONDO:0700092.
Neurodevelopmental abnormality. Identifiers: MedGen C4022737, HP:0012759.
Inborn genetic diseases. Identifiers: MedGen C0950123, MeSH D030342.
Cerebral palsy. Identifiers: MedGen C0007789, MONDO:0006497, HP:0100021.

Allele frequency attached by ClinVar (database versions not stated): ExAC 0.00001.

Submissions 1 to 6 of 38:

Medical and Scientific Branch, Hong Kong Genome Institute
Classification: Pathogenic for Intellectual developmental disorder, autosomal dominant 42. Last evaluated: 2025-12-11. Review status: criteria provided, single submitter. Criteria: ACMG Guidelines, 2015. Collection method: clinical testing. Allele origin: de novo. Affected: yes.

Ambry Genetics
Classification: Pathogenic for Inborn genetic diseases. Last evaluated: 2025-11-17. Review status: criteria provided, single submitter. Criteria: Ambry Variant Classification Scheme 2023. Collection method: clinical testing. Allele origin: germline.
Comment: The c.239T>C (p.I80T) alteration is located in exon 6 (coding exon 4) of the GNB1 gene. This alteration results from a T to C substitution at nucleotide position 239, causing the isoleucine (I) at amino acid position 80 to be replaced by a threonine (T). This variant was not reported in population-based cohorts in the Genome Aggregation Database (gnomAD). This variant was determined to be de novo in at least one individual with features consistent with GNB1-related neurodevelopmental disorder (Petrovski, 2016). Other variant(s) at the same codon, c.239T>A (p.I80N), have been identified in individual(s) with features consistent with GNB1-related neurodevelopmental disorder (Petrovski, 2016). This amino acid position is highly conserved in available vertebrate species. The p.I80 amino acid is located in a WD40 repeat region in the amino-terminal interface of GNB1. Crystal structures of heterotrimeric G-alpha-beta-gamma have demonstrated that this is a region of interaction between the G-protein beta subunit and alpha subunit (Ford, 1998). The p.I80 amino acid residue has been shown to play an important role in binding with the alpha subunit, activation of phospholipase C-beta2, inhibition of calcium channels, and activation of potassium channels (Ford, 1998; Petrovski, 2016). Functional analysis demonstrated that the p.I80T alteration leads to reduced binding to G-protein alpha subunits (Yoda, 2015). This alteration is predicted to be deleterious by in silico analysis. Based on the available evidence, this alteration is classified as pathogenic.

3billion
Classification: Pathogenic for Intellectual developmental disorder, autosomal dominant 42. Last evaluated: 2025-09-17. Review status: criteria provided, single submitter. Criteria: ACMG Guidelines, 2015. Collection method: clinical testing. Allele origin: germline. Affected: yes.
Comment: The variant is observed at an extremely low frequency in the gnomAD v4.1.0 dataset (total allele frequency: <0.001%). Predicted Consequence/Location: The variant is located in a mutational hot spot and/or well-established functional domain in which established pathogenic variants have been reported. Missense variant. Missense changes are a common disease-causing mechanism. Damaging effect on gene or gene product predicted by in silico programs is uncertain [REVEL: 0.52 (damaging >=0.6, benign <0.4), 3Cnet: 0.65 (damaging >0.75, benign <0.1)]. The same nucleotide change resulting in the same amino acid change has been previously reported as pathogenic/likely pathogenic with strong evidence (ClinVar ID: VCV000208722 /PMID: 27108799 /3billion dataset). The variant has been previously reported as de novo in a similarly affected individual (PMID: 27108799). The variant has been observed in multiple (>3) similarly affected unrelated individuals (PMID: 27108799, 30194818, 31735425). The variant has been previously reported as assumed (i.e. paternity and maternity not confirmed) de novo in at least one similarly affected unrelated individual (3billion dataset). Different missense changes at the same codon (p.Ile80Asn, p.Ile80Ser) have been reported as pathogenic/likely pathogenic with strong evidence (ClinVar ID: VCV000224715, VCV000391609 /PMID: 27108799 /3billion dataset). Therefore, this variant is classified as Pathogenic according to the recommendation of ACMG/AMP guideline.

Variantyx, Inc.
Classification: Pathogenic for Intellectual developmental disorder, autosomal dominant 42. Last evaluated: 2025-07-22. Review status: criteria provided, single submitter. Criteria: Variantyx Assertion Criteria 2022. Collection method: clinical testing. Allele origin: germline. Inheritance: Autosomal dominant inheritance. Affected: yes.
Comment: This is a nonsynonymous variant in the GNB1 gene (OMIM: 139380). Pathogenic variants in this gene have been associated with autosomal dominant intellectual developmental disorder 42. This variant has been reported in multiple unrelated affected individual(s) (PMID: 27108799, 30194818, 31036916, 32963807, 33177673, 35328054, 35719373) (PS4). Alternate amino acid change(s) at this position (p.Ile80Asn) have been previously reported in similarly affected individuals, which suggests that this residue is biologically important (PMID: 27108799) (PM5). This variant has a 0.0002% maximum allele frequency in non-founder control populations (PM2). Computational algorithms produce conflicting evidence regarding the predicted functional impact of this variant (REVEL score: 0.515). Based on the current evidence, this variant is classified as pathogenic for autosomal dominant intellectual developmental disorder 42.

Institute of Human Genetics, University of Leipzig Medical Center
Classification: Pathogenic for Intellectual developmental disorder, autosomal dominant 42. Last evaluated: 2025-03-04. Review status: criteria provided, single submitter. Criteria: ACMG Guidelines, 2015. Collection method: clinical testing. Allele origin: de novo. Inheritance: Autosomal dominant inheritance. Affected: yes.
Comment: Criteria applied: PS2_VSTR,PS4,PM5_STR,PM1,PM2

Laboratory of Genetics, Children's Clinical University Hospital Latvia
Classification: Pathogenic. Last evaluated: 2025-02-16. Review status: criteria provided, single submitter. Criteria: ACMG Guidelines, 2015. Collection method: clinical testing. Allele origin: germline. Affected: yes.

NM_002074.5(GNB1):c.239T>C (p.Ile80Thr)

Gene: GNB1 (G protein subunit beta 1; minus strand). Cytogenetic location: 1p36.33.
Variant type: single nucleotide variant.
Coding change: c.239T>C on transcript NM_002074.5 (MANE Select); coding-DNA position 239, T replaced by C.
Protein change: p.Ile80Thr; replaces isoleucine 80 with threonine.
Molecular consequence: missense variant. On other transcripts: 5 prime UTR variant (1).
Genome position (GRCh38, 1-based): chr1:1,806,503, A>G on the plus strand (T>C on the coding strand, the complement: GNB1 is on the minus strand). VCF-style: chr1-1806503-A-G. GRCh37 (hg19) VCF-style: chr1-1737942-A-G.
Other names: NM_002074.5(GNB1):c.239T>C; c.-62T>C (NM_001282538.2); c.239T>C, p.Ile80Thr (NM_001282539.2); short protein forms I80T.
Identifiers: ClinVar variation 208722 (VCV000208722.100), dbSNP rs752746786, ClinGen allele CA204758.